The following is an entry in ClinVar:

ClinVar aggregate classification (germline): Likely pathogenic (1 of 4 stars; one submission).

Submission:

Dasa
Classification: Likely pathogenic. Last evaluated: 2026-01-13. Review status: criteria provided, single submitter. Criteria: DASA Assertion Criteria. Collection method: clinical testing. Allele origin: germline.
Comment: NM_023067.4(FOXL2):c.433_460dup (p.Arg154Profs*94) is a frameshift variant in FOXL2 predicted to alter the reading frame and introduce a premature termination codon and is predicted to result in an absent or altered protein product. Loss of function is an established disease mechanism for FOXL2 (PMID: 28924383; PMID: 15962237; PMID: 20232352). Also, this variant is rare in population databases. Based on the currently available evidence, this variant is classified as likely pathogenic.

Literature cited by the submitters: PubMed 28924383; PubMed 15962237; PubMed 20232352.

NM_023067.4(FOXL2):c.433_460dup (p.Arg154fs)

Gene: FOXL2 (forkhead box L2; minus strand). Cytogenetic location: 3q22.3.
Variant type: Duplication.
Coding change: c.433_460dup on transcript NM_023067.4 (MANE Select); coding-DNA positions 433 to 460, 28 bases duplicated (CGCCGCCGCCGCATGAAGAGGCCCTTCC).
Protein change: p.Arg154fs; shifts the reading frame from arginine 154.
Molecular consequence: frameshift variant.
Genome position (GRCh38, 1-based): chr3:138,946,263-138,946,290, GGAAGGGCCTCTTCATGCGGCGGCGGCG duplicated on the plus strand (CGCCGCCGCCGCATGAAGAGGCCCTTCC on the coding strand, the reverse complement: FOXL2 is on the minus strand). VCF-style (leftmost placement, unchanged base first): chr3-138946262-C-CGGAAGGGCCTCTTCATGCGGCGGCGGCG. GRCh37 (hg19) VCF-style: chr3-138665104-C-CGGAAGGGCCTCTTCATGCGGCGGCGGCG.
Other names: short protein forms R154fs.
Identifiers: ClinVar variation 4880819 (VCV004880819.2).
Genomic context (GRCh38, chr3:138,946,262, plus strand): 5'-CCTGCGGCGCCTCCGGCCCCGAAGAGCCCCTTGCCGGGCTGGAAGTGCGCGGGCGGCGGC[C>CGGAAGGGCCTCTTCATGCGGCGGCGGCG]GGAAGGGCCTCTTCATGCGGCGGCGGCGCCGGTAGTTGCCCTTCTCGAACATGTCTTCGC-3'